The following is an entry in ClinVar:

NM_007078.3(LDB3):c.897-16G>C

Gene: LDB3 (LIM domain binding 3; plus strand). Cytogenetic location: 10q23.2.
Variant type: single nucleotide variant.
Coding change: c.897-16G>C on transcript NM_007078.3 (MANE Select); 16 bases into the intron before coding-DNA position 897, G replaced by C.
Molecular consequence: intron variant.
Genome position (GRCh38, 1-based): chr10:86,706,515, G>C. VCF-style: chr10-86706515-G-C. GRCh37 (hg19) VCF-style: chr10-88466272-G-C.
Other names: c.897-16G>C (LRG_385t1); c.897-3390G>C (NM_001368064.1, NM_001368065.1); c.1101-3390G>C (NM_001171610.2); c.756-16G>C (NM_001368066.1); c.756-3390G>C (NM_001080114.2).
Identifiers: ClinVar variation 385261 (VCV000385261.11), dbSNP rs45513100, ClinGen allele CA5585006.

ClinVar aggregate classification (germline): Benign/Likely benign. Review status: criteria provided, multiple submitters, no conflicts (2 of 4 stars). 4 submissions from 4 submitters: Benign (2); Likely benign (2). Last evaluated 2025-11-05.

Conditions:
Myofibrillar myopathy 4. Also called: Zaspopathy (type). Identifiers: Orphanet 98912, MedGen C4721886, MONDO:0012277, OMIM 609452.

Allele frequency attached by ClinVar (database versions not stated): ESP Exome Variant Server 0.00008; gnomAD exomes 0.00008 and 0.00014; gnomAD 0.00010 and 0.00011; ExAC 0.00011; TOPMed 0.00012.
gnomAD v4.1: 137 of 1,611,006 alleles (0.0085%); highest among the groups gnomAD compares: Admixed American, 0.015%; no homozygotes.

Submissions (4):

Labcorp Genetics (formerly Invitae), Labcorp
Classification: Benign for Myofibrillar myopathy 4. Last evaluated: 2025-11-05. Review status: criteria provided, single submitter. Criteria: Invitae Variant Classification Sherloc (09022015). Collection method: clinical testing. Allele origin: germline.

Women's Health and Genetics/Laboratory Corporation of America, LabCorp
Classification: Benign. Last evaluated: 2019-08-13. Review status: criteria provided, single submitter. Criteria: LabCorp Variant Classification Summary - May 2015. Collection method: clinical testing. Allele origin: germline.
Comment: Variant summary: LDB3 c.897-16G>C alters a non-conserved nucleotide located close to a canonical splice site and therefore could affect mRNA splicing, leading to a significantly altered protein sequence. 4/4 computational tools predict no significant impact on normal splicing. However, these predictions have yet to be confirmed by functional studies. The variant allele was found at a frequency of 0.00014 in 247112 control chromosomes (gnomAD). The observed variant frequency is approximately 6 fold of the estimated maximal expected allele frequency for a pathogenic variant in LDB3 causing Cardiomyopathy phenotype (2.5e-05), strongly suggesting that the variant is benign. To our knowledge, no occurrence of c.897-16G>C in individuals affected with Cardiomyopathy and no experimental evidence demonstrating its impact on protein function have been reported. A ClinVar submission (evaluation after 2014) cites the variant as likely benign. Based on the evidence outlined above, the variant was classified as benign.

GeneDx
Classification: Likely benign. Last evaluated: 2018-02-14. Review status: criteria provided, single submitter. Criteria: GeneDx Variant Classification (06012015). Collection method: clinical testing. Allele origin: germline. Affected: yes.
Comment: This variant is considered likely benign or benign based on one or more of the following criteria: it is a conservative change, it occurs at a poorly conserved position in the protein, it is predicted to be benign by multiple in silico algorithms, and/or has population frequency not consistent with disease.

Breakthrough Genomics
Classification: Likely benign. Review status: criteria provided, single submitter. Criteria: ACMG Guidelines, 2015. Collection method: not provided. Allele origin: germline. Inheritance: Autosomal dominant inheritance. Affected: yes.